The following is an entry in ClinVar:

NM_000063.6(C2):c.883A>C (p.Ile295Leu)

Genes: C2 (complement C2; plus strand), C2-AS1 (C2 antisense RNA 1; minus strand). Cytogenetic location: 6p21.33.
Variant type: single nucleotide variant.
Coding change: c.883A>C on transcript NM_000063.6 (MANE Select); coding-DNA position 883, A replaced by C.
Protein change: p.Ile295Leu; replaces isoleucine 295 with leucine.
Molecular consequence: missense variant. On other transcripts: intron variant (1).
Genome position (GRCh38, 1-based): chr6:31,935,956, A>C. VCF-style: chr6-31935956-A-C. GRCh37 (hg19) VCF-style: chr6-31903733-A-C.
Other names: c.487A>C, p.Ile163Leu (NM_001145903.3); c.145A>C, p.Ile49Leu (NM_001282457.2); c.796A>C, p.Ile266Leu (NM_001282458.2); c.347-1363A>C (NM_001178063.3); short protein forms I266L, I49L, I163L, I295L.
Identifiers: ClinVar variation 2109669 (VCV002109669.4), dbSNP rs1582096360, ClinGen allele CA363369538.

ClinVar aggregate classification (germline): Uncertain significance (1 of 4 stars; one submission).

Allele frequency attached by ClinVar (database versions not stated): gnomAD 0.00001.
gnomAD v4.1: 3 of 1,612,886 alleles (0.00019%); highest among the groups gnomAD compares: African/African-American, 0.0027%; no homozygotes.

Submission:

Labcorp Genetics (formerly Invitae), Labcorp
Classification: Uncertain significance. Last evaluated: 2022-03-12. Review status: criteria provided, single submitter. Criteria: Invitae Variant Classification Sherloc (09022015). Collection method: clinical testing. Allele origin: germline.
Comment: In summary, the available evidence is currently insufficient to determine the role of this variant in disease. Therefore, it has been classified as a Variant of Uncertain Significance. Algorithms developed to predict the effect of missense changes on protein structure and function are either unavailable or do not agree on the potential impact of this missense change (SIFT: "Deleterious"; PolyPhen-2: "Benign"; Align-GVGD: "Class C0"). This variant has not been reported in the literature in individuals affected with C2-related conditions. This variant is not present in population databases (gnomAD no frequency). This sequence change replaces isoleucine, which is neutral and non-polar, with leucine, which is neutral and non-polar, at codon 295 of the C2 protein (p.Ile295Leu).